The following is an entry in ClinVar:

NM_139058.3(ARX):c.150G>A (p.Leu50=)

Gene: ARX (aristaless related homeobox; minus strand). Cytogenetic location: Xp21.3.
Variant type: single nucleotide variant.
Coding change: c.150G>A on transcript NM_139058.3 (MANE Select); coding-DNA position 150, G replaced by A.
Protein change: p.Leu50=; no amino-acid change (leucine 50 retained).
Molecular consequence: synonymous variant.
Genome position (GRCh38, 1-based): chrX:25,015,588, C>T on the plus strand (G>A on the coding strand, the complement: ARX is on the minus strand). VCF-style: chrX-25015588-C-T. GRCh37 (hg19) VCF-style: chrX-25033705-C-T.
Identifiers: ClinVar variation 3233978 (VCV003233978.2), dbSNP rs2147325401, ClinGen allele CA515749853.

ClinVar aggregate classification (germline): Likely benign (1 of 4 stars; one submission).

Submission:

Women's Health and Genetics/Laboratory Corporation of America, LabCorp
Classification: Likely benign. Last evaluated: 2024-03-13. Review status: criteria provided, single submitter. Criteria: LabCorp Variant Classification Summary - May 2015. Collection method: clinical testing. Allele origin: germline.
Comment: Variant summary: ARX c.150G>A alters a conserved nucleotide resulting in a synonymous change. Consensus agreement among computation tools predict no significant impact on normal splicing. However, these predictions have yet to be confirmed by functional studies. The variant was absent in 176915 control chromosomes (gnomAD). The available data on variant occurrences in the general population are insufficient to allow any conclusion about variant significance. To our knowledge, no occurrence of c.150G>A in individuals affected with AXR-Related Disorder and no experimental evidence demonstrating its impact on protein function have been reported. No submitters have cited clinical-significance assessments for this variant to ClinVar. Based on the evidence outlined above, the variant was classified as likely benign.